The following is an entry in ClinVar:

ClinVar aggregate classification (germline): Uncertain significance (1 of 4 stars; one submission).

gnomAD v4.1: 2 of 1,614,080 alleles (0.00012%); highest among the groups gnomAD compares: Non-Finnish European, 0.00017%; no homozygotes.

Submission:

GeneDx
Classification: Uncertain significance. Last evaluated: 2026-03-21. Review status: criteria provided, single submitter. Criteria: GeneDx Variant Classification Process June 2021. Collection method: clinical testing. Allele origin: germline.
Comment: Not observed at significant frequency in large population cohorts (gnomAD); In silico analysis supports that this missense variant has a deleterious effect on protein structure/function; Has not been previously published as pathogenic or benign to our knowledge

NM_001037.5(SCN1B):c.88G>C (p.Ala30Pro)

Gene: SCN1B (sodium voltage-gated channel beta subunit 1; plus strand). Cytogenetic location: 19q13.11.
Variant type: single nucleotide variant.
Coding change: c.88G>C on transcript NM_001037.5 (MANE Select); coding-DNA position 88, G replaced by C.
Protein change: p.Ala30Pro; replaces alanine 30 with proline.
Molecular consequence: missense variant. On other transcripts: 5 prime UTR variant (1).
Genome position (GRCh38, 1-based): chr19:35,032,575, G>C. VCF-style: chr19-35032575-G-C. GRCh37 (hg19) VCF-style: chr19-35523479-G-C.
Other names: c.-12G>C (NM_001321605.2); c.88G>C, p.Ala30Pro (NM_199037.5); short protein forms A30P.
Identifiers: ClinVar variation 5017020 (VCV005017020.1).